The following is an entry in ClinVar:

ClinVar aggregate classification (germline): Likely benign (1 of 4 stars; one submission).

gnomAD v4.1: 1 of 1,606,330 alleles (0.000062%); highest among the groups gnomAD compares: Non-Finnish European, 0.000085%; no homozygotes.

Submission:

Women's Health and Genetics/Laboratory Corporation of America, LabCorp
Classification: Likely benign. Last evaluated: 2021-11-29. Review status: criteria provided, single submitter. Criteria: LabCorp Variant Classification Summary - May 2015. Collection method: clinical testing. Allele origin: germline.
Comment: Variant summary: SOS1 c.396A>G alters a conserved nucleotide resulting in a synonymous change. 4/4 computational tools predict no significant impact on normal splicing, however, these predictions have yet to be confirmed by functional studies. The variant was absent in 251156 control chromosomes (gnomAD). The available data on variant occurrences in the general population are insufficient to allow any conclusion about variant significance. To our knowledge, no occurrence of c.396A>G in individuals affected with Noonan Syndrome and no experimental evidence demonstrating its impact on protein function have been reported. A co-occurrence with a pathogenic variant associated with Noonan Syndrome has been reported in our lab (RAF1 c.770C>T, p.S257L), providing supporting evidence for a benign role. No ClinVar assessments have been reported for this variant after 2014, however, another synonymous variant at this nucleotide position (c.396A>T) was classified as likely benign by 3 submitters after 2014. Based on the evidence outlined above, the variant was classified as likely benign.

NM_005633.4(SOS1):c.396A>G (p.Ala132=)

Gene: SOS1 (SOS Ras/Rac guanine nucleotide exchange factor 1; minus strand). Cytogenetic location: 2p22.1.
Variant type: single nucleotide variant.
Coding change: c.396A>G on transcript NM_005633.4 (MANE Select); coding-DNA position 396, A replaced by G.
Protein change: p.Ala132=; no amino-acid change (alanine 132 retained).
Molecular consequence: synonymous variant.
Genome position (GRCh38, 1-based): chr2:39,056,816, T>C on the plus strand (A>G on the coding strand, the complement: SOS1 is on the minus strand). VCF-style: chr2-39056816-T-C. GRCh37 (hg19) VCF-style: chr2-39283957-T-C.
Other names: c.375A>G, p.Ala125= (NM_001382394.1); c.396A>G, p.Ala132= (NM_001382395.1).
Identifiers: ClinVar variation 1329021 (VCV001329021.1), dbSNP rs727505385, ClinGen allele CA425780980.